The following is an entry in ClinVar:

NM_004360.5(CDH1):c.1566-9C>T

Gene: CDH1 (cadherin 1; plus strand). Cytogenetic location: 16q22.1.
Variant type: single nucleotide variant.
Coding change: c.1566-9C>T on transcript NM_004360.5 (MANE Select); 9 bases into the intron before coding-DNA position 1566, C replaced by T.
Molecular consequence: intron variant.
Genome position (GRCh38, 1-based): chr16:68,819,271, C>T. VCF-style: chr16-68819271-C-T. GRCh37 (hg19) VCF-style: chr16-68853174-C-T.
Other names: c.1566-9C>T (LRG_301t1); c.18-9C>T (NM_001317185.2); c.-254-2730C>T (NM_001317186.2); c.1383-9C>T (NM_001317184.2).
Identifiers: ClinVar variation 532489 (VCV000532489.14), dbSNP rs1555516509, ClinGen allele CA658798626.

ClinVar aggregate classification (germline): Conflicting classifications of pathogenicity. Review status: criteria provided, conflicting classifications (1 of 4 stars). 3 submissions from 3 submitters: Uncertain significance (1); Likely benign (2). Last evaluated 2025-12-13.

Conditions:
Hereditary diffuse gastric adenocarcinoma (HDGC). Also called: DIFFUSE GASTRIC AND LOBULAR BREAST CANCER SYNDROME. Identifiers: Orphanet 26106, MedGen C1708349, MONDO:0007648, OMIM 137215.
Hereditary cancer-predisposing syndrome. Also called: Neoplastic Syndromes, Hereditary; Hereditary neoplastic syndrome; Tumor predisposition; Hereditary Cancer Syndrome. Identifiers: Orphanet 140162, MedGen C0027672, MeSH D009386, MONDO:0015356.

Allele frequency attached by ClinVar (database versions not stated): gnomAD exomes 0.00001.
gnomAD v4.1: 8 of 1,614,170 alleles (0.0005%); highest among the groups gnomAD compares: Non-Finnish European, 0.00068%; no homozygotes.

Submissions (3):

Labcorp Genetics (formerly Invitae), Labcorp
Classification: Likely benign for Hereditary diffuse gastric adenocarcinoma. Last evaluated: 2025-12-13. Review status: criteria provided, single submitter. Criteria: Invitae Variant Classification Sherloc (09022015). Collection method: clinical testing. Allele origin: germline.

Myriad Genetics, Inc.
Classification: Likely benign for Hereditary diffuse gastric adenocarcinoma. Last evaluated: 2024-09-19. Review status: criteria provided, single submitter. Criteria: Myriad Autosomal Dominant, Autosomal Recessive and X-Linked Classification Criteria (2023). Collection method: clinical testing. Allele origin: unknown.
Comment: This variant is considered likely benign. This variant is intronic and is not expected to impact mRNA splicing.

Color Diagnostics, LLC DBA Color Health
Classification: Uncertain significance for Hereditary cancer-predisposing syndrome. Last evaluated: 2019-04-09. Review status: criteria provided, single submitter. Criteria: ACMG Guidelines, 2015. Collection method: clinical testing. Allele origin: germline.